The following is an entry in ClinVar:

ClinVar aggregate classification (germline): Pathogenic. Review status: criteria provided, multiple submitters, no conflicts (2 of 4 stars). 4 submissions from 4 submitters: Pathogenic (4). Last evaluated 2024-07-06.

Conditions:
Wilms tumor 1 (WT1). Also called: Wilms tumor, somatic. Identifiers: Orphanet 654, MedGen CN033288, MONDO:0008679, OMIM 194070.
Breast-ovarian cancer, familial, susceptibility to, 2 (BROVCA2). Also called: BRCA2 Hereditary Breast and Ovarian Cancer. Identifiers: Orphanet 145, MedGen C2675520, MONDO:0012933, OMIM 612555. Disease mechanism: loss of function.
Familial cancer of breast. Also called: Hereditary breast cancer; BREAST CANCER, FAMILIAL; hereditary breast carcinoma. Identifiers: Orphanet 227535, MedGen C0346153, MONDO:0016419, OMIM 114480. Disease mechanism: loss of function.
Medulloblastoma (MDB). Also called: MEDULLOBLASTOMA PREDISPOSITION SYNDROME; Medulloblastoma, somatic. Identifiers: Orphanet 616, MedGen C0025149, MeSH D008527, MONDO:0007959, OMIM 155255, HP:0002885.
Glioma susceptibility 3 (GLM3). Also called: Glioblastoma 3. Identifiers: Orphanet 182067, Orphanet 360, MedGen C2751641, MONDO:0013093, OMIM 613029.
Familial prostate cancer. Also called: Hereditary Prostate Cancer. Identifiers: MedGen C2931456, MONDO:0700275, OMIM 176807.
Pancreatic cancer, susceptibility to, 2. Identifiers: Orphanet 1333, MedGen C3150546, MONDO:0013235, OMIM 613347.
Fanconi anemia complementation group D1. Also called: BRCA2-Related Fanconi Anemia. Identifiers: Orphanet 319462, MedGen C1838457, MONDO:0011584, OMIM 605724.
Hereditary cancer-predisposing syndrome. Also called: Tumor predisposition; Hereditary Cancer Syndrome; Hereditary neoplastic syndrome; Neoplastic Syndromes, Hereditary. Identifiers: Orphanet 140162, MedGen C0027672, MeSH D009386, MONDO:0015356.
Hereditary breast ovarian cancer syndrome. Also called: Hereditary breast and/or ovarian cancer syndrome; Hereditary breast and ovarian cancer; Breast and ovarian cancer; Hereditary breast and ovarian cancer syndrome (HBOC); BRCA1- and BRCA2-Associated Hereditary Breast and Ovarian Cancer; Hereditary breast and ovarian cancer syndrome. Identifiers: Orphanet 145, MedGen C0677776, MeSH D061325, MONDO:0003582. Disease mechanism: loss of function.

Submissions (4):

Ambry Genetics
Classification: Pathogenic for Hereditary cancer-predisposing syndrome. Last evaluated: 2024-07-06. Review status: criteria provided, single submitter. Criteria: Ambry Variant Classification Scheme 2023. Collection method: clinical testing. Allele origin: germline.
Comment: The c.6611delC pathogenic mutation, located in coding exon 10 of the BRCA2 gene, results from a deletion of one nucleotide at nucleotide position 6611, causing a translational frameshift with a predicted alternate stop codon (p.P2204Lfs*2). This alteration has been identified in multiple individuals diagnosed with breast cancer (Pal T et al. Breast J, 2013 Jan;19:189-92; Fernandes GC et al. Oncotarget, 2016 Dec;7:80465-80481). Of note, this alteration is also known as 6839delC in published literature. This variant is considered to be rare based on population cohorts in the Genome Aggregation Database (gnomAD). In addition to the clinical data presented in the literature, this alteration is expected to result in loss of function by premature protein truncation or nonsense-mediated mRNA decay. As such, this alteration is interpreted as a disease-causing mutation.

Fulgent Genetics
Classification: Pathogenic for Familial cancer of breast; Medulloblastoma; Familial prostate cancer; Wilms tumor 1; Fanconi anemia complementation group D1; Breast-ovarian cancer, familial, susceptibility to, 2; Glioma susceptibility 3; Pancreatic cancer, susceptibility to, 2. Last evaluated: 2023-12-28. Review status: criteria provided, single submitter. Criteria: ACMG Guidelines, 2015. Collection method: clinical testing. Allele origin: germline.

Labcorp Genetics (formerly Invitae), Labcorp
Classification: Pathogenic for Hereditary breast ovarian cancer syndrome. Last evaluated: 2023-05-21. Review status: criteria provided, single submitter. Criteria: Invitae Variant Classification Sherloc (09022015). Collection method: clinical testing. Allele origin: germline.
Comment: ClinVar contains an entry for this variant (Variation ID: 1330148). For these reasons, this variant has been classified as Pathogenic. RNA analysis performed to evaluate the impact of this premature translational stop signal on mRNA splicing indicates it does not significantly alter splicing (Invitae). This variant is also known as 6839delC. This premature translational stop signal has been observed in individual(s) with breast and/or ovarian cancer (PMID: 23320992, 29907814). This variant is not present in population databases (gnomAD no frequency). This sequence change creates a premature translational stop signal (p.Pro2204Leufs*2) in the BRCA2 gene. It is expected to result in an absent or disrupted protein product. Loss-of-function variants in BRCA2 are known to be pathogenic (PMID: 20104584).

Quest Diagnostics Nichols Institute San Juan Capistrano
Classification: Pathogenic. Last evaluated: 2021-04-13. Review status: criteria provided, single submitter. Criteria: Quest Diagnostics criteria. Collection method: clinical testing. Allele origin: unknown.
Comment: This frameshift variant causes the premature termination of BRCA2 protein synthesis. It has been reported in multiple individuals and families affected with breast cancer in the published literature (PMID: 29907814 (2018), 27741520 (2016), and 23320992 (2013)). This variant has not been reported in large, multi-ethnic general populations. Based on the available information, this variant is classified as pathogenic.

Literature cited by the submitters: PubMed 23320992 (cited by 3 submitters); PubMed 27741520 (cited by Ambry Genetics and Quest Diagnostics Nichols Institute San Juan Capistrano); PubMed 29907814 (cited by Labcorp Genetics (formerly Invitae), Labcorp and Quest Diagnostics Nichols Institute San Juan Capistrano); PubMed 20104584 (cited by Labcorp Genetics (formerly Invitae), Labcorp).

NM_000059.4(BRCA2):c.6611del (p.Pro2204fs)

Gene: BRCA2 (BRCA2 DNA repair associated; plus strand). Cytogenetic location: 13q13.1.
Variant type: Deletion.
Coding change: c.6611del on transcript NM_000059.4 (MANE Select); coding-DNA position 6611, one base deleted (C; older notation c.6611delC).
Protein change: p.Pro2204fs; shifts the reading frame from proline 2204.
Molecular consequence: frameshift variant.
Genome position (GRCh38, 1-based): chr13:32,340,966, C deleted; the last of 2 consecutive C bases (chr13:32,340,965-32,340,966); deleting either gives the same sequence. VCF-style (leftmost placement, unchanged base first): chr13-32340964-TC-T. GRCh37 (hg19) VCF-style: chr13-32915101-TC-T.
Other names: c.6611delC (NM_000059.3); short protein forms P2204fs.
Identifiers: ClinVar variation 1330148 (VCV001330148.11), dbSNP rs1135401915, ClinGen allele CA658761140.
Genomic context (GRCh38, chr13:32,340,964, plus strand): 5'-ACAGGCTTCACCTAAAAACGTAAAAATGGAAATTGGTAAAACTGAAACTTTTTCTGATGT[TC>T]CTGTGAAAACAAATATAGAAGTTTGTTCTACTTACTCCAAAGATTCAGAAAACTACTTTG-3'